The following is an entry in ClinVar:

ClinVar aggregate classification (germline): Uncertain significance (1 of 4 stars; one submission).

Conditions:
Singleton-Merten syndrome 1 (SGMRT1). Also called: Widened medullary cavities of bone, aortic calcification, abnormal dentition, and muscular weakness; Syndrome of widened medullary cavities of the metacarpals and phalanges, aortic calcification and abnormal dentition. Identifiers: Orphanet 85191, MedGen C4225427, MONDO:0024535, OMIM 182250.
Aicardi-Goutieres syndrome 7 (AGS7). Identifiers: Orphanet 51, MedGen C3888244, MONDO:0014367, OMIM 615846.

Submission:

Labcorp Genetics (formerly Invitae), Labcorp
Classification: Uncertain significance for Aicardi-Goutieres syndrome 7; Singleton-Merten syndrome 1. Last evaluated: 2021-07-12. Review status: criteria provided, single submitter. Criteria: Invitae Variant Classification Sherloc (09022015). Collection method: clinical testing. Allele origin: germline.
Comment: This sequence change creates a premature translational stop signal (p.Lys997Argfs*8) in the IFIH1 gene. While this is not anticipated to result in nonsense mediated decay, it is expected to disrupt the last 29 amino acid(s) of the IFIH1 protein. This variant is not present in population databases (ExAC no frequency). This variant has not been reported in the literature in individuals affected with IFIH1-related conditions. Experimental studies and prediction algorithms are not available or were not evaluated, and the functional significance of this variant is currently unknown. In summary, the available evidence is currently insufficient to determine the role of this variant in disease. Therefore, it has been classified as a Variant of Uncertain Significance.

NM_022168.4(IFIH1):c.2990del (p.Lys997fs)

Gene: IFIH1 (interferon induced with helicase C domain 1; minus strand). Cytogenetic location: 2q24.2.
Variant type: Deletion.
Coding change: c.2990del on transcript NM_022168.4 (MANE Select); coding-DNA position 2990, one base deleted (A; older notation c.2990delA).
Protein change: p.Lys997fs; shifts the reading frame from lysine 997.
Molecular consequence: frameshift variant.
Genome position (GRCh38, 1-based): chr2:162,267,288, T deleted on the plus strand (A on the coding strand, the reverse complement: IFIH1 is on the minus strand); the first of 3 consecutive T bases (chr2:162,267,288-162,267,290); deleting any one gives the same sequence. VCF-style (leftmost placement, unchanged base first): chr2-162267287-CT-C. GRCh37 (hg19) VCF-style: chr2-163123797-CT-C.
Other names: short protein forms K997fs.
Identifiers: ClinVar variation 1405123 (VCV001405123.6), dbSNP rs2105186622, ClinGen allele CA2573133430.